The following is an entry in ClinVar:

ClinVar aggregate classification (germline): Conflicting classifications of pathogenicity. Review status: criteria provided, conflicting classifications (1 of 4 stars). 6 submissions from 6 submitters: Uncertain significance (3); Likely benign (3). Last evaluated 2026-04-11.

Conditions:
TTN-related disorder. Also called: TTN-related condition; TTN-related disease; TTN-related disorders.
Dilated cardiomyopathy 1G (CMD1G). Identifiers: Orphanet 154, MedGen C1858763, MONDO:0011400, OMIM 604145.
Autosomal recessive limb-girdle muscular dystrophy type 2J (LGMDR10). Also called: Limb-girdle muscular dystrophy, type 2J; MUSCULAR DYSTROPHY, LIMB-GIRDLE, AUTOSOMAL RECESSIVE 10. Identifiers: Orphanet 140922, MedGen C1837342, MONDO:0012127, OMIM 608807.

Allele frequency attached by ClinVar (database versions not stated): ESP Exome Variant Server 0.00008; TOPMed 0.00014; ExAC 0.00015; gnomAD 0.00015; gnomAD exomes 0.00015.
gnomAD v4.1: 77 of 1,613,740 alleles (0.0048%); highest among the groups gnomAD compares: East Asian, 0.1%; no homozygotes.

Submissions (6):

PreventionGenetics, part of Exact Sciences
Classification: Uncertain significance for TTN-related condition. Last evaluated: 2026-04-11. Review status: criteria provided, single submitter. Criteria: ACMG Guidelines, 2015. Collection method: clinical testing. Allele origin: germline.
Comment: The TTN c.85091G>A variant is predicted to result in the amino acid substitution p.Arg28364Gln. To our knowledge, this variant has not been reported in the literature. This variant is reported in 0.19% of alleles in individuals of East Asian descent in gnomAD. Although we suspect that this variant may be benign, at this time, the clinical significance of this variant is uncertain due to the absence of conclusive functional and genetic evidence.

Labcorp Genetics (formerly Invitae), Labcorp
Classification: Likely benign for Dilated cardiomyopathy 1G; Autosomal recessive limb-girdle muscular dystrophy type 2J. Last evaluated: 2026-01-02. Review status: criteria provided, single submitter. Criteria: Invitae Variant Classification Sherloc (09022015). Collection method: clinical testing. Allele origin: germline.

Molecular Diagnostic Laboratory for Inherited Cardiovascular Disease, Montreal Heart Institute
Classification: Likely benign. Last evaluated: 2025-04-09. Review status: criteria provided, single submitter. Criteria: ACMG Guidelines, 2015. Collection method: clinical testing. Allele origin: germline. Affected: no.

Mayo Clinic Laboratories, Mayo Clinic
Classification: Uncertain significance. Last evaluated: 2022-02-14. Review status: criteria provided, single submitter. Criteria: ACMG Guidelines, 2015. Collection method: clinical testing. Allele origin: germline. Observed: 2 variant alleles.
Comment: BP4

GeneDx
Classification: Likely benign. Last evaluated: 2020-03-13. Review status: criteria provided, single submitter. Criteria: GeneDx Variant Classification Process June 2021. Collection method: clinical testing. Allele origin: germline. Affected: yes.

Revvity Omics, Revvity
Classification: Uncertain significance. Last evaluated: 2019-12-03. Review status: criteria provided, single submitter. Criteria: ACMG Guidelines, 2015. Collection method: clinical testing. Allele origin: germline.

NM_001267550.2(TTN):c.85091G>A (p.Arg28364Gln)

Genes: TTN (titin; minus strand), TTN-AS1 (TTN antisense RNA 1; plus strand). Cytogenetic location: 2q31.2.
Variant type: single nucleotide variant.
Coding change: c.85091G>A on transcript NM_001267550.2 (MANE Select); coding-DNA position 85091, G replaced by A.
Protein change: p.Arg28364Gln; replaces arginine 28364 with glutamine.
Molecular consequence: missense variant.
Genome position (GRCh38, 1-based): chr2:178,561,041, C>T on the plus strand (G>A on the coding strand, the complement: TTN is on the minus strand). VCF-style: chr2-178561041-C-T. GRCh37 (hg19) VCF-style: chr2-179425768-C-T.
Other names: p.R26723Q:CGA>CAA; p.Arg25796Gln; c.80168G>A, p.Arg26723Gln (NM_001256850.1); c.57896G>A, p.Arg19299Gln (NM_003319.4); c.77387G>A, p.Arg25796Gln (NM_133378.4); c.58271G>A, p.Arg19424Gln (NM_133432.3); c.58472G>A, p.Arg19491Gln (NM_133437.4); short protein forms R26723Q, R28364Q, R19299Q, R19424Q, R25796Q, R19491Q.
Identifiers: ClinVar variation 202928 (VCV000202928.20), dbSNP rs376283153, ClinGen allele CA310716.